The following is an entry in ClinVar:

ClinVar aggregate classification (germline): Uncertain significance. Review status: criteria provided, multiple submitters, no conflicts (2 of 4 stars). 2 submissions from 2 submitters: Uncertain significance (2). Last evaluated 2025-05-14.

Conditions:
Inborn genetic diseases. Identifiers: MedGen C0950123, MeSH D030342.

Submissions (2):

Ambry Genetics
Classification: Uncertain significance for Inborn genetic diseases. Last evaluated: 2025-05-14. Review status: criteria provided, single submitter. Criteria: Ambry Variant Classification Scheme 2023. Collection method: clinical testing. Allele origin: germline.

Labcorp Genetics (formerly Invitae), Labcorp
Classification: Uncertain significance. Last evaluated: 2022-02-28. Review status: criteria provided, single submitter. Criteria: Invitae Variant Classification Sherloc (09022015). Collection method: clinical testing. Allele origin: germline.
Comment: This sequence change replaces serine, which is neutral and polar, with arginine, which is basic and polar, at codon 119 of the TGM1 protein (p.Ser119Arg). This variant is present in population databases (no rsID available, gnomAD 0.007%). This variant has not been reported in the literature in individuals affected with TGM1-related conditions. Advanced modeling of protein sequence and biophysical properties (such as structural, functional, and spatial information, amino acid conservation, physicochemical variation, residue mobility, and thermodynamic stability) performed at Invitae indicates that this missense variant is not expected to disrupt TGM1 protein function. In summary, the available evidence is currently insufficient to determine the role of this variant in disease. Therefore, it has been classified as a Variant of Uncertain Significance.

NM_000359.3(TGM1):c.357C>G (p.Ser119Arg)

Gene: TGM1 (transglutaminase 1; minus strand). Cytogenetic location: 14q12.
Variant type: single nucleotide variant.
Coding change: c.357C>G on transcript NM_000359.3 (MANE Select); coding-DNA position 357, C replaced by G.
Protein change: p.Ser119Arg; replaces serine 119 with arginine.
Molecular consequence: missense variant.
Genome position (GRCh38, 1-based): chr14:24,261,846, G>C on the plus strand (C>G on the coding strand, the complement: TGM1 is on the minus strand). VCF-style: chr14-24261846-G-C. GRCh37 (hg19) VCF-style: chr14-24731052-G-C.
Other names: c.357C>G (NM_000359.2); short protein forms S119R.
Identifiers: ClinVar variation 2155634 (VCV002155634.3), dbSNP rs752796535, ClinGen allele CA389278728.